The following is an entry in ClinVar:

NM_002880.4(RAF1):c.16G>A (p.Gly6Arg)

Gene: RAF1 (Raf-1 proto-oncogene, serine/threonine kinase; minus strand). Cytogenetic location: 3p25.2.
Variant type: single nucleotide variant.
Coding change: c.16G>A on transcript NM_002880.4 (MANE Select); coding-DNA position 16, G replaced by A.
Protein change: p.Gly6Arg; replaces glycine 6 with arginine.
Molecular consequence: missense variant. On other transcripts: 5 prime UTR variant (4), non-coding transcript variant (3).
Genome position (GRCh38, 1-based): chr3:12,618,706, C>T on the plus strand (G>A on the coding strand, the complement: RAF1 is on the minus strand). VCF-style: chr3-12618706-C-T. GRCh37 (hg19) VCF-style: chr3-12660205-C-T.
Other names: c.16G>A, p.Gly6Arg (NM_001354689.3, NM_001354690.3, NM_001354693.3); c.-115G>A (NM_001354691.3, NM_001354692.3, NM_001354694.3 and 1 more transcripts); short protein forms G6R.
Identifiers: ClinVar variation 658190 (VCV000658190.10), dbSNP rs1575600689, ClinGen allele CA351485256.

ClinVar aggregate classification (germline): Uncertain significance. Review status: criteria provided, multiple submitters, no conflicts (2 of 4 stars). 2 submissions from 2 submitters: Uncertain significance (2). Last evaluated 2022-03-23.

Conditions:
RASopathy. Also called: rasopathies; Noonan spectrum disorder. Identifiers: Orphanet 536391, MedGen C5555857, MONDO:0021060.
Cardiovascular phenotype. Identifiers: MedGen CN230736.

Submissions (2):

Labcorp Genetics (formerly Invitae), Labcorp
Classification: Uncertain significance for RASopathy. Last evaluated: 2022-03-23. Review status: criteria provided, single submitter. Criteria: Invitae Variant Classification Sherloc (09022015). Collection method: clinical testing. Allele origin: germline.
Comment: In summary, the available evidence is currently insufficient to determine the role of this variant in disease. Therefore, it has been classified as a Variant of Uncertain Significance. Advanced modeling of protein sequence and biophysical properties (such as structural, functional, and spatial information, amino acid conservation, physicochemical variation, residue mobility, and thermodynamic stability) performed at Invitae indicates that this missense variant is expected to disrupt RAF1 protein function. ClinVar contains an entry for this variant (Variation ID: 658190). This variant has not been reported in the literature in individuals affected with RAF1-related conditions. This variant is not present in population databases (gnomAD no frequency). This sequence change replaces glycine, which is neutral and non-polar, with arginine, which is basic and polar, at codon 6 of the RAF1 protein (p.Gly6Arg).

Ambry Genetics
Classification: Uncertain significance for Cardiovascular phenotype. Last evaluated: 2020-09-04. Review status: criteria provided, single submitter. Criteria: Ambry Variant Classification Scheme 2023. Collection method: clinical testing. Allele origin: germline.
Comment: The p.G6R variant (also known as c.16G>A), located in coding exon 1 of the RAF1 gene, results from a G to A substitution at nucleotide position 16. The glycine at codon 6 is replaced by arginine, an amino acid with dissimilar properties. This amino acid position is well conserved in available vertebrate species. In addition, this alteration is predicted to be deleterious by in silico analysis. Since supporting evidence is limited at this time, the clinical significance of this alteration remains unclear.